The following is an entry in ClinVar:

NM_001128840.3(CACNA1D):c.6004C>G (p.Gln2002Glu)

Gene: CACNA1D (calcium voltage-gated channel subunit alpha1 D; plus strand). Cytogenetic location: 3p21.1.
Variant type: single nucleotide variant.
Coding change: c.6004C>G on transcript NM_001128840.3 (MANE Select); coding-DNA position 6004, C replaced by G.
Protein change: p.Gln2002Glu; replaces glutamine 2002 with glutamic acid.
Molecular consequence: missense variant.
Genome position (GRCh38, 1-based): chr3:53,810,110, C>G. VCF-style: chr3-53810110-C-G. GRCh37 (hg19) VCF-style: chr3-53844137-C-G.
Other names: c.6064C>G, p.Gln2022Glu (NM_000720.4); c.5932C>G, p.Gln1978Glu (NM_001128839.3); short protein forms Q2002E, Q2022E, Q1978E.
Identifiers: ClinVar variation 3679411 (VCV003679411.2).

ClinVar aggregate classification (germline): Uncertain significance (1 of 4 stars; one submission).

Submission:

Labcorp Genetics (formerly Invitae), Labcorp
Classification: Uncertain significance. Last evaluated: 2024-06-14. Review status: criteria provided, single submitter. Criteria: Invitae Variant Classification Sherloc (09022015). Collection method: clinical testing. Allele origin: germline.
Comment: This sequence change replaces glutamine, which is neutral and polar, with glutamic acid, which is acidic and polar, at codon 2022 of the CACNA1D protein (p.Gln2022Glu). This variant is not present in population databases (gnomAD no frequency). This variant has not been reported in the literature in individuals affected with CACNA1D-related conditions. An algorithm developed to predict the effect of missense changes on protein structure and function (PolyPhen-2) suggests that this variant is likely to be tolerated. In summary, the available evidence is currently insufficient to determine the role of this variant in disease. Therefore, it has been classified as a Variant of Uncertain Significance.